The following is an entry in ClinVar:

NM_001368894.2(PAX6):c.-128-2del

Gene: PAX6 (paired box 6; minus strand). Cytogenetic location: 11p13.
Variant type: Deletion.
Coding change: c.-128-2del on transcript NM_001368894.2 (MANE Select); the canonical splice acceptor site of the intron before 128 bases upstream of the start codon, one base deleted (A; older notation c.-128-2delA).
Molecular consequence: splice acceptor variant. On other transcripts: intron variant (2).
Genome position (GRCh38, 1-based): chr11:31,806,927, T deleted on the plus strand (A on the coding strand, the reverse complement: PAX6 is on the minus strand). VCF-style (leftmost placement, unchanged base first): chr11-31806926-CT-C. GRCh37 (hg19) VCF-style: chr11-31828474-CT-C.
Other names: c.-128-2delA (NM_000280.4, NM_001604.5); c.-128-2del (NM_001127612.3, NM_001368921.2, NM_001368923.2 and 29 more transcripts); c.-28-2del (NM_001368910.2); c.-268+3901del (NM_001368909.2); c.13+3901del (NM_001368911.2); c.-405-2del (NM_001368904.2); c.-909-2del (NM_001368905.2).
Identifiers: ClinVar variation 430969 (VCV000430969.12), dbSNP rs1131692282, ClinGen allele CA645372128.
Genomic context (GRCh38, chr11:31,806,926, plus strand): 5'-TGTCCACTCTCACAATAAAAGGCCTCACACATCTGCGCGCCCCTAGTTAAAGTCTTCCCC[CT>C]AAGACAAAACAGAAGGAGAAAAAGGTATATCAAGCTGTGGTTCAACAGCATACGTCCATG-3'

ClinVar aggregate classification (germline): Pathogenic. Review status: criteria provided, multiple submitters, no conflicts (2 of 4 stars). 6 submissions from 6 submitters: Pathogenic (5). 1 of the submissions does not count toward it. Last evaluated 2026-05-29.

Conditions:
Isolated anophthalmia-microphthalmia syndrome. Identifiers: Orphanet 2542, MedGen C5679828, MONDO:0016764.
Irido-corneo-trabecular dysgenesis (ASGD5). Also called: ANTERIOR SEGMENT DYSGENESIS 5. Identifiers: Orphanet 708, MedGen C0344559, MONDO:0011414, OMIM 604229, HP:0000659.
Aniridia 1 (AN1). Identifiers: Orphanet 250923, MedGen C0344542, MONDO:0024507, OMIM 106210.
PAX6 Aniridia Syndrome. Also called: PAX6-Related Aniridia. Identifiers: MedGen CN381638.
PAX6-related disorder. Also called: PAX6-related disorders; PAX6-related condition.

Submissions (6):

Clinical Genetics Laboratory, Skane University Hospital Lund
Classification: Pathogenic for PAX6 Aniridia Syndrome. Last evaluated: 2026-05-29. Review status: criteria provided, single submitter. Criteria: ACMG Guidelines, 2015. Collection method: clinical testing. Allele origin: germline. Affected: yes.
Comment: ACMG criteria: PS3_supporting, PS4, PM2, PP1_strong, PP3 and PP4.

PreventionGenetics, part of Exact Sciences
Classification: Pathogenic for PAX6-related condition. Last evaluated: 2025-09-16. Review status: criteria provided, single submitter. Criteria: ACMG Guidelines, 2015. Collection method: clinical testing. Allele origin: germline.
Comment: The PAX6 c.-128-2delA variant is located in the 5' untranslated region. This variant has been reported as causative for aniridia as it segregated with disease in a three generation pedigree (Axton et al. 1997. PubMed ID: 9281415). This variant has also been reported to occur de novo in multiple individuals with aniridia (Vasilyeva. 2017. PubMed ID: 28321846; Cross et al. 2020. PubMed ID: 32360764; Supplemental, Vasilyeva et al. 2023. PubMed ID: 38002984). A functional study expressing this variant in a mini-gene assay found that it led to aberrant splicing of exon 3 in the untranslated region of the transcript (Plaisancié et al. 2018. PubMed ID: 30291432). Additionally, an adjacent nucleotide substitution (c.-128-1G>T) which affects this same splice site in the 5' untranslated region has been reported as causative for aniridia (Skeens et al. 2011. PubMed ID: 21376398). Given all the evidence we interpret c.-128-2del as pathogenic.

Labcorp Genetics (formerly Invitae), Labcorp
Classification: Pathogenic for Aniridia 1; Irido-corneo-trabecular dysgenesis. Last evaluated: 2025-04-26. Review status: criteria provided, single submitter. Criteria: Invitae Variant Classification Sherloc (09022015). Collection method: clinical testing. Allele origin: germline.
Comment: This sequence change falls in intron 2 of the PAX6 gene. It does not directly change the encoded amino acid sequence of the PAX6 protein. This variant is not present in population databases (gnomAD no frequency). This variant has been observed in individual(s) with aniridia (PMID: 9281415, 28321846, 30291432, 32360764). In at least one individual the variant was observed to be de novo. It has also been observed to segregate with disease in related individuals. Invitae Evidence Modeling of clinical and family history, age, sex, and reported ancestry of multiple individuals with this PAX6 variant has been performed. This variant is expected to be pathogenic with a positive predictive value of at least 99%. This is a validated machine learning model that incorporates the clinical features of 11,666 individuals referred to our laboratory for PAX6 testing. This variant is also known as IVS2-2delA. ClinVar contains an entry for this variant (Variation ID: 430969). Variants that disrupt the consensus splice site are a relatively common cause of aberrant splicing (PMID: 17576681, 9536098). Studies have shown that this variant results in skipping of exon 3, but is expected to preserve the integrity of the reading-frame (PMID: 30291432). For these reasons, this variant has been classified as Pathogenic.

Cambridge Genomics Laboratory, East Genomic Laboratory Hub, NHS Genomic Medicine Service
Classification: Pathogenic for Isolated anophthalmia-microphthalmia syndrome. Last evaluated: 2020-04-28. Review status: criteria provided, single submitter. Criteria: ACGS Best Practice Guidelines for Variant Classification in Rare Disease 2020. Collection method: clinical testing. Allele origin: germline. Affected: yes. Observed: 1 variant allele.

Wessex Regional Genetics Laboratory, Salisbury District Hospital
Classification: Pathogenic for Aniridia 1. Last evaluated: 2019-08-15. Review status: criteria provided, single submitter. Criteria: ACMG Guidelines, 2015. Collection method: clinical testing. Allele origin: de novo, inherited. Inheritance: Autosomal dominant inheritance. Affected: yes. Observed: 3 variant alleles.

Laboratory of Genetic Epidemiology, Research Centre for Medical Genetics
Classification: Pathogenic for Aniridia 1. Review status: no assertion criteria provided. Collection method: research. Allele origin: de novo. Inheritance: Autosomal dominant inheritance. Affected: yes. Observed: 1 heterozygote. Not counted in ClinVar's aggregate classification.

Literature cited by the submitters: PubMed 9281415 (cited by Labcorp Genetics (formerly Invitae), Labcorp); PubMed 28321846 (cited by Labcorp Genetics (formerly Invitae), Labcorp and Laboratory of Genetic Epidemiology, Research Centre for Medical Genetics); PubMed 30291432 (cited by Labcorp Genetics (formerly Invitae), Labcorp); PubMed 32360764 (cited by Labcorp Genetics (formerly Invitae), Labcorp); PubMed 17576681 (cited by Labcorp Genetics (formerly Invitae), Labcorp); PubMed 9536098 (cited by Labcorp Genetics (formerly Invitae), Labcorp).